The following is an entry in ClinVar:

NM_017950.4(CCDC40):c.1479G>T (p.Arg493Ser)

Gene: CCDC40 (coiled-coil domain 40 molecular ruler complex subunit; plus strand). Cytogenetic location: 17q25.3.
Variant type: single nucleotide variant.
Coding change: c.1479G>T on transcript NM_017950.4 (MANE Select); coding-DNA position 1479, G replaced by T.
Protein change: p.Arg493Ser; replaces arginine 493 with serine.
Molecular consequence: missense variant.
Genome position (GRCh38, 1-based): chr17:80,065,523, G>T. VCF-style: chr17-80065523-G-T. GRCh37 (hg19) VCF-style: chr17-78039322-G-T.
Other names: c.1479G>T, p.Arg493Ser (NM_001243342.2, NM_001330508.2); short protein forms R493S.
Identifiers: ClinVar variation 525439 (VCV000525439.18), dbSNP rs201739201, ClinGen allele CA8813857.
Genomic context (GRCh38, chr17:80,065,523, plus strand): 5'-CCCCCTCCCCTGTTGGCTGCAGGCCTGCACCGAGATCGACGCCATCAGCGTGGAGAAGAG[G>T]CGCATCATGCAGCAATGGGCCAGCAGCCTGGTGGGCATGAAGCACCGCGACGAGGCGCAC-3'
Protein context (NP_060420.2, residues 483-503): TEIDAISVEK[Arg493Ser]RIMQQWASSL

ClinVar aggregate classification (germline): Conflicting classifications of pathogenicity. Review status: criteria provided, conflicting classifications (1 of 4 stars). 5 submissions from 5 submitters: Uncertain significance (3); Likely benign (2). Last evaluated 2026-07-01.

Conditions:
Primary ciliary dyskinesia. Also called: Ciliary dyskinesia. Identifiers: Orphanet 244, MedGen C0008780, MONDO:0016575, HP:0012265.
Primary ciliary dyskinesia 15. Also called: CILIARY DYSKINESIA, PRIMARY, 15, WITH OR WITHOUT SITUS INVERSUS. Identifiers: Orphanet 244, MedGen C3151137, MONDO:0013435, OMIM 613808.
CCDC40-related disorder. Also called: CCDC40-related condition.

Allele frequency attached by ClinVar (database versions not stated): 1000 Genomes Project 30x 0.00016; 1000 Genomes Project 0.00020; gnomAD 0.00029 and 0.00031; ESP Exome Variant Server 0.00031; TOPMed 0.00032.
gnomAD v4.1: 334 of 1,613,156 alleles (0.021%); highest among the groups gnomAD compares: Middle Eastern, 0.099%; 1 homozygote.

Submissions (5):

CeGaT Center for Human Genetics Tuebingen
Classification: Likely benign. Last evaluated: 2026-07-01. Review status: criteria provided, single submitter. Criteria: CeGaT Center For Human Genetics Tuebingen Variant Classification Criteria Version 2. Collection method: clinical testing. Allele origin: germline. Affected: yes. Observed: 1 variant allele.
Comment: CCDC40: BP4

Labcorp Genetics (formerly Invitae), Labcorp
Classification: Likely benign for Primary ciliary dyskinesia. Last evaluated: 2026-01-05. Review status: criteria provided, single submitter. Criteria: Invitae Variant Classification Sherloc (09022015). Collection method: clinical testing. Allele origin: germline.

PreventionGenetics, part of Exact Sciences
Classification: Uncertain significance for CCDC40-related condition. Last evaluated: 2024-12-19. Review status: criteria provided, single submitter. Criteria: ACMG Guidelines, 2015. Collection method: clinical testing. Allele origin: germline.
Comment: The CCDC40 c.1479G>T variant is predicted to result in the amino acid substitution p.Arg493Ser. This variant has been reported in an individual with primary ciliary dyskinesia, who also carried a homozygous pathogenic variant in CCDC151 (reported as CCDC151 NM_145045.4:c.583_595dup, p.His199Argfs*60) and variants in the DNAH5 and DNAH8 genes (see patient Br-12 in Table S5, Olm et al. 2019. PubMed ID: 31213628). This variant is reported in 0.023% of alleles in individuals of Latino descent in gnomAD. At this time, the clinical significance of this variant is uncertain due to the absence of conclusive functional and genetic evidence.

Johns Hopkins Genomics, Johns Hopkins University
Classification: Uncertain significance for Primary ciliary dyskinesia 15. Last evaluated: 2021-03-29. Review status: criteria provided, single submitter. Criteria: ACMG Guidelines, 2015. Collection method: clinical testing. Allele origin: germline.
Comment: CCDC40 c.1479G>T (rs201739201) is rare (<0.1%) in a large population dataset (gnomAD: 37/280170 total alleles; 0.013%; 1 homozygote) and has not been reported in the literature, to our knowledge. There is an entry for this variant in ClinVar (Variation ID: 525439). Of three bioinformatics tools queried, one predicts that the substitution would be damaging, while two predict that it would be tolerated. The arginine residue at this position is not highly evolutionarily conserved in the species assessed. We consider the clinical significance of c.1479G>T to be uncertain at this time.

Illumina Laboratory Services, Illumina
Classification: Uncertain significance for Primary ciliary dyskinesia 15. Last evaluated: 2018-01-12. Review status: criteria provided, single submitter. Criteria: ICSL Variant Classification Criteria 13 December 2019. Collection method: clinical testing. Allele origin: germline.